The following is an entry in ClinVar:

ClinVar aggregate classification (germline): Likely pathogenic (1 of 4 stars; one submission).

Conditions:
Bohring-Opitz syndrome. Also called: C-LIKE SYNDROME; BOHRING SYNDROME; OPITZ TRIGONOCEPHALY-LIKE SYNDROME; ASXL1-Related Bohring-Opitz Syndrome. Identifiers: Orphanet 97297, MedGen C0796232, MONDO:0011510, OMIM 605039.

Submission:

3billion
Classification: Likely pathogenic for Bohring-Opitz syndrome. Last evaluated: 2024-12-22. Review status: criteria provided, single submitter. Criteria: ACMG Guidelines, 2015. Collection method: clinical testing. Allele origin: germline. Affected: yes.
Comment: The variant is not observed in the gnomAD v4.1.0 dataset. Predicted Consequence/Location: Frameshift: predicted to result in a loss or disruption of normal protein function through protein truncation. The predicted truncated protein may be shortened by more than 10%. Therefore, this variant is classified as Likely pathogenic according to the recommendation of ACMG/AMP guideline.

NM_015338.6(ASXL1):c.2182del (p.Glu728fs)

Gene: ASXL1 (ASXL transcriptional regulator 1; plus strand). Cytogenetic location: 20q11.21.
Variant type: Deletion.
Coding change: c.2182del on transcript NM_015338.6 (MANE Select); coding-DNA position 2182, one base deleted (G; older notation c.2182delG).
Protein change: p.Glu728fs; shifts the reading frame from glutamic acid 728.
Molecular consequence: frameshift variant.
Genome position (GRCh38, 1-based): chr20:32,434,894, G deleted; the last of 2 consecutive G bases (chr20:32,434,893-32,434,894); deleting either gives the same sequence. VCF-style (leftmost placement, unchanged base first): chr20-32434892-AG-A. GRCh37 (hg19) VCF-style: chr20-31022695-AG-A.
Other names: c.1999del, p.Glu667fs (NM_001363734.1); short protein forms E667fs, E728fs.
Identifiers: ClinVar variation 4293961 (VCV004293961.1).
Genomic context (GRCh38, chr20:32,434,892, plus strand): 5'-CCCAGGCCGGAACTGCCATGTCCAGAGCTAGGAGAGAGGACCTGCCTTCTCTGAGAAAGG[AG>A]GAAAGCTGCCTACTACAGAGGGCTACAGTTGGACTCACAGATGGGCTAGGAGATGCCTCC-3'